The following is an entry in ClinVar:

ClinVar aggregate classification (germline): Uncertain significance. Review status: criteria provided, multiple submitters, no conflicts (2 of 4 stars). 2 submissions from 2 submitters: Uncertain significance (2). Last evaluated 2024-06-15.

Conditions:
Charcot-Marie-Tooth disease axonal type 2P. Also called: CHARCOT-MARIE-TOOTH NEUROPATHY, TYPE 2P; Charcot-Marie-Tooth Neuropathy Type 2G; CHARCOT-MARIE-TOOTH DISEASE, AXONAL, TYPE 2G; CMT 2G. Identifiers: Orphanet 300319, Orphanet 99941, MedGen C3280797, MONDO:0013753, OMIM 614436.

Allele frequency attached by ClinVar (database versions not stated): TOPMed below 0.00001; ExAC 0.00001; gnomAD 0.00001; gnomAD exomes 0.00001 and 0.00002; 1000 Genomes Project 0.00020; 1000 Genomes Project 30x 0.00031.
gnomAD v4.1: 34 of 1,604,004 alleles (0.0021%); highest among the groups gnomAD compares: Non-Finnish European, 0.0027%; no homozygotes.

Submissions (2):

Labcorp Genetics (formerly Invitae), Labcorp
Classification: Uncertain significance for Charcot-Marie-Tooth disease axonal type 2P. Last evaluated: 2024-06-15. Review status: criteria provided, single submitter. Criteria: Invitae Variant Classification Sherloc (09022015). Collection method: clinical testing. Allele origin: germline.
Comment: This sequence change replaces isoleucine, which is neutral and non-polar, with valine, which is neutral and non-polar, at codon 200 of the LRSAM1 protein (p.Ile200Val). This variant is present in population databases (rs542077582, gnomAD 0.002%). This variant has not been reported in the literature in individuals affected with LRSAM1-related conditions. ClinVar contains an entry for this variant (Variation ID: 848773). Advanced modeling of protein sequence and biophysical properties (such as structural, functional, and spatial information, amino acid conservation, physicochemical variation, residue mobility, and thermodynamic stability) performed at Invitae indicates that this missense variant is not expected to disrupt LRSAM1 protein function with a negative predictive value of 80%. In summary, the available evidence is currently insufficient to determine the role of this variant in disease. Therefore, it has been classified as a Variant of Uncertain Significance.

Illumina Laboratory Services, Illumina
Classification: Uncertain significance for Charcot-Marie-Tooth disease axonal type 2P. Last evaluated: 2018-01-13. Review status: criteria provided, single submitter. Criteria: ICSL Variant Classification Criteria 13 December 2019. Collection method: clinical testing. Allele origin: germline.

NM_001005373.4(LRSAM1):c.598A>G (p.Ile200Val)

Gene: LRSAM1 (leucine rich repeat and sterile alpha motif containing 1; plus strand). Cytogenetic location: 9q33.3.
Variant type: single nucleotide variant.
Coding change: c.598A>G on transcript NM_001005373.4 (MANE Select); coding-DNA position 598, A replaced by G.
Protein change: p.Ile200Val; replaces isoleucine 200 with valine.
Molecular consequence: missense variant. On other transcripts: 5 prime UTR variant (1), non-coding transcript variant (2).
Genome position (GRCh38, 1-based): chr9:127,467,809, A>G. VCF-style: chr9-127467809-A-G. GRCh37 (hg19) VCF-style: chr9-130230088-A-G.
Other names: c.598A>G, p.Ile200Val (NM_001005374.4, NM_001190723.3, NM_001384142.1 and 2 more transcripts); c.-187A>G (NM_001384144.1); short protein forms I200V.
Identifiers: ClinVar variation 848773 (VCV000848773.11), dbSNP rs542077582, ClinGen allele CA5246612.